The following is an entry in ClinVar:

NM_005515.4(MNX1):c.956G>T (p.Gly319Val)

Gene: MNX1 (motor neuron and pancreas homeobox 1; minus strand). Cytogenetic location: 7q36.3.
Variant type: single nucleotide variant.
Coding change: c.956G>T on transcript NM_005515.4 (MANE Select); coding-DNA position 956, G replaced by T.
Protein change: p.Gly319Val; replaces glycine 319 with valine.
Molecular consequence: missense variant.
Genome position (GRCh38, 1-based): chr7:157,005,770, C>A on the plus strand (G>T on the coding strand, the complement: MNX1 is on the minus strand). VCF-style: chr7-157005770-C-A. GRCh37 (hg19) VCF-style: chr7-156798464-C-A.
Other names: c.320G>T, p.Gly107Val (NM_001165255.2); short protein forms G107V, G319V.
Identifiers: ClinVar variation 3690595 (VCV003690595.2).

ClinVar aggregate classification (germline): Uncertain significance (1 of 4 stars; one submission).

Submission:

Labcorp Genetics (formerly Invitae), Labcorp
Classification: Uncertain significance. Last evaluated: 2024-09-13. Review status: criteria provided, single submitter. Criteria: Invitae Variant Classification Sherloc (09022015). Collection method: clinical testing. Allele origin: germline.
Comment: This sequence change replaces glycine, which is neutral and non-polar, with valine, which is neutral and non-polar, at codon 319 of the MNX1 protein (p.Gly319Val). This variant is not present in population databases (gnomAD no frequency). This variant has not been reported in the literature in individuals affected with MNX1-related conditions. Invitae Evidence Modeling of protein sequence and biophysical properties (such as structural, functional, and spatial information, amino acid conservation, physicochemical variation, residue mobility, and thermodynamic stability) indicates that this missense variant is not expected to disrupt MNX1 protein function with a negative predictive value of 80%. In summary, the available evidence is currently insufficient to determine the role of this variant in disease. Therefore, it has been classified as a Variant of Uncertain Significance.